The following is an entry in ClinVar:

NM_007294.4(BRCA1):c.1162A>T (p.Arg388Ter)

Gene: BRCA1 (BRCA1 DNA repair associated; minus strand). Cytogenetic location: 17q21.31.
Variant type: single nucleotide variant.
Coding change: c.1162A>T on transcript NM_007294.4 (MANE Select); coding-DNA position 1162, A replaced by T.
Protein change: p.Arg388Ter; replaces arginine 388 with a stop codon.
Molecular consequence: nonsense. On other transcripts: intron variant (137).
Genome position (GRCh38, 1-based): chr17:43,094,369, T>A on the plus strand (A>T on the coding strand, the complement: BRCA1 is on the minus strand). VCF-style: chr17-43094369-T-A. GRCh37 (hg19) VCF-style: chr17-41246386-T-A.
Other names: c.1039A>T, p.Arg347Ter (NM_001407667.1, NM_001407668.1, NM_001407669.1 and 19 more transcripts); c.1036A>T, p.Arg346Ter (NM_001407670.1, NM_001407671.1, NM_001407672.1 and 11 more transcripts); c.1162A>T, p.Arg388Ter (NM_001407684.1, NM_001407854.1, NM_001407858.1 and 30 more transcripts); c.1021A>T, p.Arg341Ter (NM_001407692.1, NM_001407694.1, NM_001407695.1 and 29 more transcripts); c.1018A>T, p.Arg340Ter (NM_001407740.1, NM_001407741.1, NM_001407742.1 and 20 more transcripts); c.949A>T, p.Arg317Ter (NM_001407853.1, NM_001407894.1, NM_001407895.1 and 9 more transcripts); c.1159A>T, p.Arg387Ter (NM_001407860.1, NM_001407861.1, NM_001407587.1 and 22 more transcripts); c.961A>T, p.Arg321Ter (NM_001407862.1); and 40 more; short protein forms R388*, R341*, R260*, R276*, R318*, R340*, R261*, R317*.
Identifiers: ClinVar variation 482924 (VCV000482924.6), dbSNP rs111312760, ClinGen allele CA10599729.

ClinVar aggregate classification (germline): Pathogenic (1 of 4 stars; one submission).

Conditions:
Hereditary cancer-predisposing syndrome. Also called: Neoplastic Syndromes, Hereditary; Tumor predisposition; Hereditary Cancer Syndrome; Hereditary neoplastic syndrome. Identifiers: Orphanet 140162, MedGen C0027672, MeSH D009386, MONDO:0015356.

Submission:

Ambry Genetics
Classification: Pathogenic for Hereditary cancer-predisposing syndrome. Last evaluated: 2019-10-30. Review status: criteria provided, single submitter. Criteria: Ambry Variant Classification Scheme 2023. Collection method: clinical testing. Allele origin: germline.
Comment: The p.R388* pathogenic mutation (also known as c.1162A>T), located in coding exon 9 of the BRCA1 gene, results from an A to T substitution at nucleotide position 1162. This changes the amino acid from an arginine to a stop codon within coding exon 9. This alteration is expected to result in loss of function by premature protein truncation or nonsense-mediated mRNA decay. As such, this alteration is interpreted as a disease-causing mutation.